The following is an entry in ClinVar:

ClinVar aggregate classification (germline): Likely benign (0 of 4 stars; one submission).

Conditions:
LHCGR-related disorder. Also called: LHCGR-related condition.

Allele frequency attached by ClinVar (database versions not stated): ExAC 0.00001; gnomAD exomes 0.00002.
gnomAD v4.1: 32 of 1,587,068 alleles (0.002%); highest among the groups gnomAD compares: Non-Finnish European, 0.0028%; no homozygotes.

Submission:

PreventionGenetics, part of Exact Sciences
Classification: Likely benign for LHCGR-related condition. Last evaluated: 2021-04-13. Review status: no assertion criteria provided. Collection method: clinical testing. Allele origin: germline.
Comment: This variant is classified as likely benign based on ACMG/AMP sequence variant interpretation guidelines (Richards et al. 2015 PMID: 25741868, with internal and published modifications).

NM_000233.4(LHCGR):c.605+8T>C

Genes: LHCGR (luteinizing hormone/choriogonadotropin receptor; minus strand), STON1-GTF2A1L (STON1-GTF2A1L readthrough; plus strand). Cytogenetic location: 2p16.3.
Variant type: single nucleotide variant.
Coding change: c.605+8T>C on transcript NM_000233.4 (MANE Select); 8 bases into the intron after coding-DNA position 605, T replaced by C.
Molecular consequence: intron variant.
Genome position (GRCh38, 1-based): chr2:48,713,978, A>G on the plus strand (T>C on the coding strand, the complement: LHCGR is on the minus strand). VCF-style: chr2-48713978-A-G. GRCh37 (hg19) VCF-style: chr2-48941117-A-G.
Other names: c.3441+42298A>G (NM_001198593.2).
Identifiers: ClinVar variation 3031011 (VCV003031011.2), dbSNP rs1553392347, ClinGen allele CA1653259.